The following is an entry in ClinVar:

NM_003331.5(TYK2):c.1787G>C (p.Gly596Ala)

Gene: TYK2 (tyrosine kinase 2; minus strand). Cytogenetic location: 19p13.2.
Variant type: single nucleotide variant.
Coding change: c.1787G>C on transcript NM_003331.5 (MANE Select); coding-DNA position 1787, G replaced by C.
Protein change: p.Gly596Ala; replaces glycine 596 with alanine.
Molecular consequence: missense variant. On other transcripts: intron variant (2).
Genome position (GRCh38, 1-based): chr19:10,361,942, C>G on the plus strand (G>C on the coding strand, the complement: TYK2 is on the minus strand). VCF-style: chr19-10361942-C-G. GRCh37 (hg19) VCF-style: chr19-10472618-C-G.
Other names: c.1787G>C, p.Gly596Ala (NM_001385197.1, NM_001385198.1, NM_001385200.1 and 4 more transcripts); c.1589G>C, p.Gly530Ala (NM_001385201.1); c.1697G>C, p.Gly566Ala (NM_001385205.1); c.1661G>C, p.Gly554Ala (NM_001385206.1); c.1773+136G>C (NM_001385199.1); c.1774-5G>C (NM_001385207.1); short protein forms G566A, G554A, G530A, G596A.
Identifiers: ClinVar variation 2026440 (VCV002026440.2), dbSNP rs1437896674, ClinGen allele CA404003314.

ClinVar aggregate classification (germline): Uncertain significance. Review status: criteria provided, multiple submitters, no conflicts (2 of 4 stars). 2 submissions from 2 submitters: Uncertain significance (2). Last evaluated 2025-08-29.

Conditions:
Inborn genetic diseases. Identifiers: MedGen C0950123, MeSH D030342.
Immunodeficiency 35 (IMD35). Also called: HIES WITH ATYPICAL MYCOBACTERIOSIS, AUTOSOMAL RECESSIVE; HYPER-IgE SYNDROME WITH ATYPICAL MYCOBACTERIOSIS, AUTOSOMAL RECESSIVE; Susceptibility to infection due to TYK2 deficiency; TYK2 DEFICIENCY. Identifiers: Orphanet 331226, MedGen C1969086, MONDO:0012682, OMIM 611521.

Allele frequency attached by ClinVar (database versions not stated): gnomAD 0.00001; TOPMed 0.00002.
gnomAD v4.1: 4 of 1,613,948 alleles (0.00025%); highest among the groups gnomAD compares: African/African-American, 0.0053%; no homozygotes.

Submissions (2):

Ambry Genetics
Classification: Uncertain significance for Inborn genetic diseases. Last evaluated: 2025-08-29. Review status: criteria provided, single submitter. Criteria: Ambry Variant Classification Scheme 2023. Collection method: clinical testing. Allele origin: germline.

Labcorp Genetics (formerly Invitae), Labcorp
Classification: Uncertain significance for Immunodeficiency 35. Last evaluated: 2022-07-02. Review status: criteria provided, single submitter. Criteria: Invitae Variant Classification Sherloc (09022015). Collection method: clinical testing. Allele origin: germline.
Comment: This sequence change replaces glycine, which is neutral and non-polar, with alanine, which is neutral and non-polar, at codon 596 of the TYK2 protein (p.Gly596Ala). This variant is not present in population databases (gnomAD no frequency). This variant has not been reported in the literature in individuals affected with TYK2-related conditions. Algorithms developed to predict the effect of missense changes on protein structure and function are either unavailable or do not agree on the potential impact of this missense change (SIFT: "Not Available"; PolyPhen-2: "Probably Damaging"; Align-GVGD: "Not Available"). Algorithms developed to predict the effect of sequence changes on RNA splicing suggest that this variant may create or strengthen a splice site. In summary, the available evidence is currently insufficient to determine the role of this variant in disease. Therefore, it has been classified as a Variant of Uncertain Significance.